The following is an entry in ClinVar:

ClinVar aggregate classification (germline): Conflicting classifications of pathogenicity. Review status: criteria provided, conflicting classifications (1 of 4 stars). 3 submissions from 3 submitters: Uncertain significance (2); Likely benign (1). Last evaluated 2025-11-04.

Conditions:
Inborn genetic diseases. Identifiers: MedGen C0950123, MeSH D030342.
Biotin-responsive basal ganglia disease (BTBGD). Also called: Thiamine metabolism dysfunction syndrome type 2; Thiamine Transporter-2 Deficiency; thiamine-responsive encephalopathy; Thiamine metabolism dysfunction syndrome 2 (biotin- or thiamine-responsive encephalopathy type 2); THIAMINE METABOLISM DYSFUNCTION SYNDROME 2 (BIOTIN- AND THIAMINE-RESPONSIVE TYPE). Identifiers: Orphanet 199348, Orphanet 65284, MedGen C1843807, MONDO:0011841, OMIM 607483.

Allele frequency attached by ClinVar (database versions not stated): ESP Exome Variant Server 0.00023; TOPMed 0.00030; 1000 Genomes Project 30x 0.00031.
gnomAD v4.1: 64 of 1,613,526 alleles (0.004%); highest among the groups gnomAD compares: African/African-American, 0.072%; no homozygotes.

Submissions (3):

Labcorp Genetics (formerly Invitae), Labcorp
Classification: Likely benign for Biotin-responsive basal ganglia disease. Last evaluated: 2025-11-04. Review status: criteria provided, single submitter. Criteria: Invitae Variant Classification Sherloc (09022015). Collection method: clinical testing. Allele origin: germline.

Ambry Genetics
Classification: Uncertain significance for Inborn genetic diseases. Last evaluated: 2021-12-21. Review status: criteria provided, single submitter. Criteria: Ambry Variant Classification Scheme 2023. Collection method: clinical testing. Allele origin: germline.
Comment: The c.1173-4A>T intronic alteration consists of a A to T substitution 4 nucleotides before coding exon 4 in the SLC19A3 gene. Based on insufficient or conflicting evidence, the clinical significance of this alteration remains unclear.

Eurofins Ntd Llc (ga)
Classification: Uncertain significance. Last evaluated: 2016-12-27. Review status: criteria provided, single submitter. Criteria: EGL Classification Definitions 2015. Collection method: clinical testing. Allele origin: germline. Observed: 1 variant allele, 1 heterozygote.

NM_025243.4(SLC19A3):c.1173-4A>T

Gene: SLC19A3 (solute carrier family 19 member 3; minus strand). Cytogenetic location: 2q36.3.
Variant type: single nucleotide variant.
Coding change: c.1173-4A>T on transcript NM_025243.4 (MANE Select); 4 bases into the intron before coding-DNA position 1173, A replaced by T.
Molecular consequence: intron variant.
Genome position (GRCh38, 1-based): chr2:227,688,311, T>A on the plus strand (A>T on the coding strand, the complement: SLC19A3 is on the minus strand). VCF-style: chr2-227688311-T-A. GRCh37 (hg19) VCF-style: chr2-228553027-T-A.
Identifiers: ClinVar variation 498491 (VCV000498491.16), dbSNP rs367737262, ClinGen allele CA2149132.
Genomic context (GRCh38, chr2:227,688,311, plus strand): 5'-TTGATTCCAAATACCAAGGCATAGCGTTCCACATTCAGATTAACTGCAATCTGAAATCTA[T>A]CATTAAACATAAATAAGCATTTTAACTATAATATACATGGATGGAAGTCTTAAAAAGATA-3'